The following is an entry in ClinVar:

NM_002579.3(PALM):c.634+4C>T

Gene: PALM (paralemmin; plus strand). Cytogenetic location: 19p13.3.
Variant type: single nucleotide variant.
Coding change: c.634+4C>T on transcript NM_002579.3 (MANE Select); 4 bases into the intron after coding-DNA position 634, C replaced by T.
Molecular consequence: intron variant.
Genome position (GRCh38, 1-based): chr19:740,487, C>T. VCF-style: chr19-740487-C-T. GRCh37 (hg19) VCF-style: chr19-740487-C-T.
Other names: c.502+4409C>T (NM_001040134.2).
Identifiers: ClinVar variation 1373325 (VCV001373325.6), dbSNP rs1427222509, ClinGen allele CA631003330.
Genomic context (GRCh38, chr19:740,487, plus strand): 5'-TGCTCCCTCGGCAGCCGCTCCCTCTGGGCATCAAAGTCTACGAGGACGAGACCAAAGGTA[C>T]GAGCACCCCGGCCCCTGCCCTCCCTCCACCTGGGCCAGAGCCCCGAACACGTGTGCTCCC-3'

ClinVar aggregate classification (germline): Uncertain significance (1 of 4 stars; one submission).

Allele frequency attached by ClinVar (database versions not stated): gnomAD 0.00002 and 0.00003; gnomAD exomes 0.00002; TOPMed 0.00004.
gnomAD v4.1: 72 of 1,548,924 alleles (0.0046%); highest among the groups gnomAD compares: Non-Finnish European, 0.0062%; no homozygotes.

Submission:

Labcorp Genetics (formerly Invitae), Labcorp
Classification: Uncertain significance. Last evaluated: 2024-06-26. Review status: criteria provided, single submitter. Criteria: Invitae Variant Classification Sherloc (09022015). Collection method: clinical testing. Allele origin: germline.
Comment: This sequence change falls in intron 8 of the PALM gene. It does not directly change the encoded amino acid sequence of the PALM protein. It affects a nucleotide within the consensus splice site. The frequency data for this variant in the population databases is considered unreliable, as metrics indicate poor data quality at this position in the gnomAD database. This variant has not been reported in the literature in individuals affected with PALM-related conditions. ClinVar contains an entry for this variant (Variation ID: 1373325). Variants that disrupt the consensus splice site are a relatively common cause of aberrant splicing (PMID: 17576681, 9536098). Algorithms developed to predict the effect of sequence changes on RNA splicing suggest that this variant is not likely to affect RNA splicing. In summary, the available evidence is currently insufficient to determine the role of this variant in disease. Therefore, it has been classified as a Variant of Uncertain Significance.

Literature cited by the submitters: PubMed 17576681; PubMed 9536098.